The following is an entry in ClinVar:

NM_000368.5(TSC1):c.1773G>A (p.Pro591=)

Gene: TSC1 (TSC complex subunit 1; minus strand). Cytogenetic location: 9q34.13.
Variant type: single nucleotide variant.
Coding change: c.1773G>A on transcript NM_000368.5 (MANE Select); coding-DNA position 1773, G replaced by A.
Protein change: p.Pro591=; no amino-acid change (proline 591 retained).
Molecular consequence: synonymous variant.
Genome position (GRCh38, 1-based): chr9:132,905,805, C>T on the plus strand (G>A on the coding strand, the complement: TSC1 is on the minus strand). VCF-style: chr9-132905805-C-T. GRCh37 (hg19) VCF-style: chr9-135781192-C-T.
Other names: c.1770G>A, p.Pro590= (NM_001162426.2); c.1620G>A, p.Pro540= (NM_001162427.2); c.1410G>A, p.Pro470= (NM_001362177.2).
Identifiers: ClinVar variation 237705 (VCV000237705.41), dbSNP rs146578402, ClinGen allele CA029735.

ClinVar aggregate classification (germline): Benign/Likely benign. Review status: criteria provided, multiple submitters, no conflicts (2 of 4 stars). 16 submissions from 15 submitters: Benign (8); Likely benign (8). Last evaluated 2026-02-03.

Conditions:
Hereditary cancer-predisposing syndrome. Also called: Tumor predisposition; Hereditary Cancer Syndrome; Neoplastic Syndromes, Hereditary; Hereditary neoplastic syndrome. Identifiers: Orphanet 140162, MedGen C0027672, MeSH D009386, MONDO:0015356.
Tuberous sclerosis syndrome (TSC). Also called: Tuberous Sclerosis Complex; Tuberous sclerosis. Identifiers: Orphanet 805, MedGen C0041341, MONDO:0001734.
Isolated focal cortical dysplasia type II (FCORD2). Also called: CORTICAL DYSPLASIA OF TAYLOR; Focal cortical dysplasia type II. Identifiers: Orphanet 268994, MedGen C1846385, MONDO:0011818, OMIM 607341, HP:0032051.
Tuberous sclerosis 1 (TSC1). Identifiers: Orphanet 805, MedGen C1854465, MONDO:0008612, OMIM 191100.

Allele frequency attached by ClinVar (database versions not stated): gnomAD exomes 0.00010; ExAC 0.00014; gnomAD 0.00036 and 0.00040; TOPMed 0.00042; ESP Exome Variant Server 0.00054.
gnomAD v4.1: 111 of 1,614,096 alleles (0.0069%); highest among the groups gnomAD compares: African/African-American, 0.11%; no homozygotes.

Submissions (16):

Labcorp Genetics (formerly Invitae), Labcorp
Classification: Benign for Tuberous sclerosis 1. Last evaluated: 2026-02-03. Review status: criteria provided, single submitter. Criteria: Invitae Variant Classification Sherloc (09022015). Collection method: clinical testing. Allele origin: germline.

Myriad Genetics, Inc.
Classification: Benign for Tuberous sclerosis 1. Last evaluated: 2025-04-10. Review status: criteria provided, single submitter. Criteria: Myriad Autosomal Dominant, Autosomal Recessive and X-Linked Classification Criteria (2023). Collection method: clinical testing. Allele origin: unknown.
Comment: This variant is considered benign. This variant is a silent/synonymous amino acid change and it is not expected to impact splicing.

CeGaT Center for Human Genetics Tuebingen
Classification: Likely benign. Last evaluated: 2025-04-01. Review status: criteria provided, single submitter. Criteria: CeGaT Center For Human Genetics Tuebingen Variant Classification Criteria Version 2. Collection method: clinical testing. Allele origin: germline. Affected: yes. Observed: 1 variant allele.
Comment: TSC1: BP4, BP7

KCCC/NGS Laboratory, Kuwait Cancer Control Center
Classification: Benign for Tuberous sclerosis 1. Last evaluated: 2025-02-01. Review status: criteria provided, single submitter. Criteria: ACMG Guidelines, 2015. Collection method: clinical testing. Allele origin: germline. Affected: no.

Blueprint Genetics
Classification: Likely benign. Last evaluated: 2024-11-05. Review status: criteria provided, single submitter. Criteria: ACMG Guidelines, 2015. Collection method: clinical testing. Allele origin: germline.

All of Us Research Program, National Institutes of Health
Classification: Likely benign for Tuberous sclerosis syndrome. Last evaluated: 2024-02-05. Review status: criteria provided, single submitter. Criteria: ACMG Guidelines, 2015. Collection method: clinical testing. Allele origin: germline. Inheritance: Autosomal dominant inheritance. Observed: 17 variant alleles, 17 heterozygotes.
Comment: This study involves interpretation of variants in research participants for the purpose of population health screening. Participant phenotype was not available at the time of variant classification. Additional details can be found in publication PMID: 35346344, PMCID: PMC8962531

Athena Diagnostics
Classification: Benign. Last evaluated: 2023-12-18. Review status: criteria provided, single submitter. Criteria: Athena Diagnostics Criteria. Collection method: clinical testing. Allele origin: unknown.

Quest Diagnostics Nichols Institute San Juan Capistrano
Classification: Benign. Last evaluated: 2023-06-22. Review status: criteria provided, single submitter. Criteria: Quest Diagnostics criteria. Collection method: clinical testing. Allele origin: unknown.
Comment: The frequency of this variant in the general population is higher than would generally be expected for pathogenic variants in this gene. Computational tools yielded predictions that this variant is unlikely to have an effect on normal RNA splicing. This nucleotide position exhibits low evolutionary conservation.

Color Diagnostics, LLC DBA Color Health
Classification: Likely benign for Tuberous sclerosis syndrome. Last evaluated: 2022-11-06. Review status: criteria provided, single submitter. Criteria: ACMG Guidelines, 2015. Collection method: clinical testing. Allele origin: germline.

Genome-Nilou Lab
Classification: Benign for Tuberous sclerosis 1. Last evaluated: 2021-11-07. Review status: criteria provided, single submitter. Criteria: ACMG Guidelines, 2015. Collection method: clinical testing. Allele origin: germline. Affected: no.

Sema4
Classification: Benign for Hereditary cancer-predisposing syndrome. Last evaluated: 2021-08-24. Review status: criteria provided, single submitter. Criteria: Sema4 Curation Guidelines. Collection method: curation. Allele origin: germline.

Illumina Laboratory Services, Illumina
Classification: Likely benign for Isolated focal cortical dysplasia type II. Last evaluated: 2017-04-28. Review status: criteria provided, single submitter. Criteria: ICSL Variant Classification Criteria 13 December 2019. Collection method: clinical testing. Allele origin: germline.
Comment: This variant was observed as part of a predisposition screen in an ostensibly healthy population. A literature search was performed for the gene, cDNA change, and amino acid change (where applicable). No publications were found based on this search. Allele frequency data from public databases allowed determination this variant is unlikely to cause disease. Therefore, this variant is classified as likely benign.

Illumina Laboratory Services, Illumina
Classification: Likely benign for Tuberous sclerosis 1. Last evaluated: 2017-04-28. Review status: criteria provided, single submitter. Criteria: ICSL Variant Classification Criteria 13 December 2019. Collection method: clinical testing. Allele origin: germline.
Comment: the same text as in the submission from Illumina Laboratory Services, Illumina above.

Ambry Genetics
Classification: Likely benign for Hereditary cancer-predisposing syndrome. Last evaluated: 2016-07-06. Review status: criteria provided, single submitter. Criteria: Ambry Variant Classification Scheme 2023. Collection method: clinical testing. Allele origin: germline.

GeneDx
Classification: Benign. Last evaluated: 2015-09-28. Review status: criteria provided, single submitter. Criteria: GeneDx Variant Classification (06012015). Collection method: clinical testing. Allele origin: germline. Affected: yes.
Comment: This variant is considered likely benign or benign based on one or more of the following criteria: it is a conservative change, it occurs at a poorly conserved position in the protein, it is predicted to be benign by multiple in silico algorithms, and/or has population frequency not consistent with disease.

PreventionGenetics, part of Exact Sciences
Classification: Likely benign. Review status: criteria provided, single submitter. Criteria: ACMG Guidelines, 2015. Collection method: clinical testing. Allele origin: germline.